The following is an entry in ClinVar:

NM_032043.3(BRIP1):c.2099T>A (p.Leu700Ter)

Gene: BRIP1 (BRCA1 interacting DNA helicase 1; minus strand). Cytogenetic location: 17q23.2.
Variant type: single nucleotide variant.
Coding change: c.2099T>A on transcript NM_032043.3 (MANE Select); coding-DNA position 2099, T replaced by A.
Protein change: p.Leu700Ter; replaces leucine 700 with a stop codon.
Molecular consequence: nonsense.
Genome position (GRCh38, 1-based): chr17:61,744,590, A>T on the plus strand (T>A on the coding strand, the complement: BRIP1 is on the minus strand). VCF-style: chr17-61744590-A-T. GRCh37 (hg19) VCF-style: chr17-59821951-A-T.
Other names: short protein forms L700*.
Identifiers: ClinVar variation 2583341 (VCV002583341.2), dbSNP rs2077034919, ClinGen allele CA400483441.
Genomic context (GRCh38, chr17:61,744,590, plus strand): 5'-ACCAACTCCAGATTATGCCATAAACCAGTAGAGAGCCAACGTTCTTTTAATTTTTCTAAT[A>T]ACTAAAGAGGGGAAAGAAAAAAATGATTTTTTGTGTGTCTAGCTAAACAAACTTAACTTC-3'

ClinVar aggregate classification (germline): Pathogenic (1 of 4 stars; one submission).

Conditions:
Familial cancer of breast. Also called: Hereditary breast cancer; BREAST CANCER, FAMILIAL; hereditary breast carcinoma. Identifiers: Orphanet 227535, MedGen C0346153, MONDO:0016419, OMIM 114480. Disease mechanism: loss of function.

Allele frequency attached by ClinVar (database versions not stated): gnomAD exomes below 0.00001.

Submission:

Myriad Genetics, Inc.
Classification: Pathogenic for Familial cancer of breast. Last evaluated: 2023-06-06. Review status: criteria provided, single submitter. Criteria: Myriad Autosomal Dominant, Autosomal Recessive and X-Linked Classification Criteria (2023). Collection method: clinical testing. Allele origin: unknown.
Comment: This variant is considered pathogenic. This variant creates a termination codon and is predicted to result in premature protein truncation.